The following is an entry in ClinVar:

NM_018993.4(RIN2):c.-36-2841G>C

Gene: RIN2 (Ras and Rab interactor 2; plus strand). Cytogenetic location: 20p11.23.
Variant type: single nucleotide variant.
Coding change: c.-36-2841G>C on transcript NM_018993.4 (MANE Select); 2841 bases into the intron before 36 bases upstream of the start codon, G replaced by C.
Molecular consequence: intron variant. On other transcripts: missense variant (1).
Genome position (GRCh38, 1-based): chr20:19,886,725, G>C. VCF-style: chr20-19886725-G-C. GRCh37 (hg19) VCF-style: chr20-19867369-G-C.
Other names: c.56G>C, p.Arg19Thr (NM_001242581.2); c.-581-2841G>C (NM_001378238.1); short protein forms R19T.
Identifiers: ClinVar variation 1498298 (VCV001498298.3), dbSNP rs1403688955, ClinGen allele CA408482528.

ClinVar aggregate classification (germline): Uncertain significance (1 of 4 stars; one submission).

Allele frequency attached by ClinVar (database versions not stated): gnomAD exomes below 0.00001 and 0.00002; gnomAD 0.00001.
gnomAD v4.1: 2 of 1,545,690 alleles (0.00013%); highest among the groups gnomAD compares: East Asian, 0.0049%; no homozygotes.

Submission:

Labcorp Genetics (formerly Invitae), Labcorp
Classification: Uncertain significance. Last evaluated: 2021-10-20. Review status: criteria provided, single submitter. Criteria: Invitae Variant Classification Sherloc (09022015). Collection method: clinical testing. Allele origin: germline.
Comment: This sequence change replaces arginine with threonine at codon 19 of the RIN2 protein (p.Arg19Thr). The RIN2 gene has multiple clinically relevant transcripts. This variant occurs in alternate transcript NM_001242581.1, and corresponds to NM_018993.3 in the primary transcript. This variant is not present in population databases (ExAC no frequency). This variant has not been reported in the literature in individuals affected with RIN2-related conditions. Experimental studies and prediction algorithms are not available or were not evaluated, and the functional significance of this variant is currently unknown. In summary, the available evidence is currently insufficient to determine the role of this variant in disease. Therefore, it has been classified as a Variant of Uncertain Significance.